The following is an entry in ClinVar:

NM_003482.4(KMT2D):c.13671+60C>T

Gene: KMT2D (lysine methyltransferase 2D; minus strand). Cytogenetic location: 12q13.12.
Variant type: single nucleotide variant.
Coding change: c.13671+60C>T on transcript NM_003482.4 (MANE Select); 60 bases into the intron after coding-DNA position 13671, C replaced by T.
Molecular consequence: intron variant.
Genome position (GRCh38, 1-based): chr12:49,030,833, G>A on the plus strand (C>T on the coding strand, the complement: KMT2D is on the minus strand). VCF-style: chr12-49030833-G-A. GRCh37 (hg19) VCF-style: chr12-49424616-G-A.
Identifiers: ClinVar variation 1281437 (VCV001281437.4), dbSNP rs11614738, ClinGen allele CA13620754.
Genomic context (GRCh38, chr12:49,030,833, plus strand): 5'-AAGGGGCAAGATGACAAAGTTCAAAACCTGCAGCGTTTGCATCGCTGTCTTGCACAGCTG[G>A]GGGACAGGGTGCCCCCTATCCTGGGATGGGACCAGGGGGACTGTCTCCTGGGGGGTCACC-3'

ClinVar aggregate classification (germline): Benign. Review status: criteria provided, multiple submitters, no conflicts (2 of 4 stars). 3 submissions from 3 submitters: Benign (3). Last evaluated 2024-01-24.

Allele frequency attached by ClinVar (database versions not stated): TOPMed 0.24561; gnomAD 0.25705 and 0.26549; 1000 Genomes Project 30x 0.26640; 1000 Genomes Project 0.27456; gnomAD exomes 0.34674.
gnomAD v4.1: 545,596 of 1,611,484 alleles (34%); highest among the groups gnomAD compares: East Asian, 40%; 97,134 homozygotes.

Submissions (3):

Unidad de Genómica Garrahan, Hospital de Pediatría Garrahan
Classification: Benign. Last evaluated: 2024-01-24. Review status: criteria provided, single submitter. Criteria: ACMG Guidelines, 2015. Collection method: clinical testing. Allele origin: germline. Affected: no. Observed: 49 variant alleles.
Comment: This variant is classified as Benign based on local population frequency. This variant was detected in 52% of patients studied by a panel of primary immunodeficiencies. Number of patients: 49. Only high quality variants are reported.

GeneDx
Classification: Benign. Last evaluated: 2018-07-17. Review status: criteria provided, single submitter. Criteria: GeneDx Variant Classification Process June 2021. Collection method: clinical testing. Allele origin: germline. Affected: yes.

Breakthrough Genomics
Classification: Benign. Review status: criteria provided, single submitter. Criteria: ACMG Guidelines, 2015. Collection method: not provided. Allele origin: germline. Inheritance: Autosomal dominant inheritance. Affected: yes.